The following is an entry in ClinVar:

NM_002230.4(JUP):c.484G>A (p.Ala162Thr)

Gene: JUP (junction plakoglobin; minus strand). Cytogenetic location: 17q21.2.
Variant type: single nucleotide variant.
Coding change: c.484G>A on transcript NM_002230.4 (MANE Select); coding-DNA position 484, G replaced by A.
Protein change: p.Ala162Thr; replaces alanine 162 with threonine.
Molecular consequence: missense variant.
Genome position (GRCh38, 1-based): chr17:41,769,192, C>T on the plus strand (G>A on the coding strand, the complement: JUP is on the minus strand). VCF-style: chr17-41769192-C-T. GRCh37 (hg19) VCF-style: chr17-39925444-C-T.
Other names: c.484G>A, p.Ala162Thr (NM_001352773.2, NM_001352774.2, NM_001352775.2 and 3 more transcripts); short protein forms A162T.
Identifiers: ClinVar variation 2946944 (VCV002946944.3), dbSNP rs1555605437, ClinGen allele CA399503615.
Genomic context (GRCh38, chr17:41,769,192, plus strand): 5'-AGCCCATCAGGGCCCGCCGCGACGCCTCCTTCTTCGACAGCTGGTTCACAATCATGGCCG[C>T]CTTGGTCACCACCACCTGGAGGGCAAAGGCAGGGGCGGGGACGTGAGCACTAAGGAGAGG-3'
Protein context (NP_002221.1, residues 152-172): NDEDPVVVTK[Ala162Thr]AMIVNQLSKK

ClinVar aggregate classification (germline): Uncertain significance (1 of 4 stars; one submission).

Conditions:
Arrhythmogenic right ventricular dysplasia 12. Also called: ARRHYTHMOGENIC RIGHT VENTRICULAR DYSPLASIA, FAMILIAL, 12. Identifiers: MedGen C1969081, MONDO:0012684, OMIM 611528.
Naxos disease (NXD). Also called: KERATOSIS PALMOPLANTARIS WITH ARRHYTHMOGENIC CARDIOMYOPATHY; MAL DE NAXOS; PALMOPLANTAR KERATODERMA WITH ARRHYTHMOGENIC RIGHT VENTRICULAR CARDIOMYOPATHY AND WOOLLY HAIR; WOOLLY HAIR, PALMOPLANTAR KERATODERMA, AND CARDIAC ABNORMALITIES; CARDIOMYOPATHY, ARRHYTHMOGENIC RIGHT VENTRICULAR, WITH SKIN, HAIR, AND NAIL ABNORMALITIES. Identifiers: Orphanet 34217, MedGen C1832600, MONDO:0011017, OMIM 601214.

Allele frequency attached by ClinVar (database versions not stated): gnomAD 0.00001.
gnomAD v4.1: 1 of 1,600,852 alleles (0.000062%); highest among the groups gnomAD compares: Non-Finnish European, 0.000085%; no homozygotes.

Submission:

Labcorp Genetics (formerly Invitae), Labcorp
Classification: Uncertain significance for Arrhythmogenic right ventricular dysplasia 12; Naxos disease. Last evaluated: 2024-01-16. Review status: criteria provided, single submitter. Criteria: Invitae Variant Classification Sherloc (09022015). Collection method: clinical testing. Allele origin: germline.
Comment: This sequence change replaces alanine, which is neutral and non-polar, with threonine, which is neutral and polar, at codon 162 of the JUP protein (p.Ala162Thr). This variant is present in population databases (no rsID available, gnomAD 0.007%). This variant has not been reported in the literature in individuals affected with JUP-related conditions. An algorithm developed to predict the effect of missense changes on protein structure and function (PolyPhen-2) suggests that this variant is likely to be tolerated. In summary, the available evidence is currently insufficient to determine the role of this variant in disease. Therefore, it has been classified as a Variant of Uncertain Significance.